The following is an entry in ClinVar:

NM_020778.5(ALPK3):c.488G>T (p.Cys163Phe)

Gene: ALPK3 (alpha kinase 3; plus strand). Cytogenetic location: 15q25.3.
Variant type: single nucleotide variant.
Coding change: c.488G>T on transcript NM_020778.5 (MANE Select); coding-DNA position 488, G replaced by T.
Protein change: p.Cys163Phe; replaces cysteine 163 with phenylalanine.
Molecular consequence: missense variant.
Genome position (GRCh38, 1-based): chr15:84,839,767, G>T. VCF-style: chr15-84839767-G-T. GRCh37 (hg19) VCF-style: chr15-85382998-G-T.
Other names: short protein forms C163F.
Identifiers: ClinVar variation 1790214 (VCV001790214.2), dbSNP rs2505704830, ClinGen allele CA393372607.

ClinVar aggregate classification (germline): Uncertain significance (1 of 4 stars; one submission).

Conditions:
Cardiovascular phenotype. Identifiers: MedGen CN230736.

Submission:

Ambry Genetics
Classification: Uncertain significance for Cardiovascular phenotype. Last evaluated: 2021-07-12. Review status: criteria provided, single submitter. Criteria: Ambry Variant Classification Scheme 2023. Collection method: clinical testing. Allele origin: germline.
Comment: The p.C365F variant (also known as c.1094G>T), located in coding exon 5 of the ALPK3 gene, results from a G to T substitution at nucleotide position 1094. The cysteine at codon 365 is replaced by phenylalanine, an amino acid with highly dissimilar properties. This amino acid position is conserved. In addition, the in silico prediction for this alteration is inconclusive. Since supporting evidence is limited at this time, the clinical significance of this alteration remains unclear.